The following is an entry in ClinVar:

NM_001042432.2(CLN3):c.565G>C (p.Gly189Arg)

Gene: CLN3 (CLN3 lysosomal/endosomal transmembrane protein, battenin; minus strand). Cytogenetic location: 16p12.1.
Variant type: single nucleotide variant.
Coding change: c.565G>C on transcript NM_001042432.2 (MANE Select); coding-DNA position 565, G replaced by C.
Protein change: p.Gly189Arg; replaces glycine 189 with arginine.
Molecular consequence: missense variant.
Genome position (GRCh38, 1-based): chr16:28,486,459, C>G on the plus strand (G>C on the coding strand, the complement: CLN3 is on the minus strand). VCF-style: chr16-28486459-C-G. GRCh37 (hg19) VCF-style: chr16-28497780-C-G.
Other names: c.565G>C, p.Gly189Arg (NM_000086.2); c.493G>C, p.Gly165Arg (NM_001286104.2); c.265G>C, p.Gly89Arg (NM_001286105.2); c.331G>C, p.Gly111Arg (NM_001286109.2); c.403G>C, p.Gly135Arg (NM_001286110.2); short protein forms G189R, G135R, G111R, G89R, G165R.
Identifiers: ClinVar variation 56282 (VCV000056282.9), dbSNP rs386833731, ClinGen allele CA263707.
Genomic context (GRCh38, chr16:28,486,459, plus strand): 5'-GGGAGAGGCCGGCCTGGGTGAGGCCCAGGTAGGACAGGGCCCCCAGCAGCCCAGCTCCCC[C>G]AGTCCCTGAGGACCACCAGGAGATCACGGCCCTGGGAAGGAGAACACAGGAACATTCAGG-3'
Protein context (NP_001035897.1, residues 179-199): AVISWWSSGT[Gly189Arg]GAGLLGALSY

ClinVar aggregate classification (germline): Pathogenic/Likely pathogenic. Review status: criteria provided, multiple submitters, no conflicts (2 of 4 stars). 3 submissions from 3 submitters: Pathogenic (1); Likely pathogenic (1). 1 of the submissions does not count toward it. Last evaluated 2023-03-23.

Conditions:
Neuronal ceroid lipofuscinosis. Also called: Neuronal Ceroid Lipofuscinoses. Identifiers: Orphanet 216, Orphanet 79263, MedGen C0027877, MONDO:0016295. Disease mechanism: loss of function.
Neuronal ceroid lipofuscinosis 3 (CLN3). Identifiers: Orphanet 228346, MedGen C0751383, MONDO:0008767, OMIM 204200.

Allele frequency attached by ClinVar (database versions not stated): gnomAD exomes below 0.00001.
gnomAD v4.1: 1 of 1,613,346 alleles (0.000062%); highest among the groups gnomAD compares: Admixed American, 0.0017%; no homozygotes.

Submissions (3):

Labcorp Genetics (formerly Invitae), Labcorp
Classification: Pathogenic for Neuronal ceroid lipofuscinosis. Last evaluated: 2023-03-23. Review status: criteria provided, single submitter. Criteria: Invitae Variant Classification Sherloc (09022015). Collection method: clinical testing. Allele origin: germline.
Comment: This variant disrupts the p.Gly189 amino acid residue in CLN3. Other variant(s) that disrupt this residue have been observed in individuals with CLN3-related conditions (external communication), which suggests that this may be a clinically significant amino acid residue. For these reasons, this variant has been classified as Pathogenic. An algorithm developed to predict the effect of missense changes on protein structure and function (PolyPhen-2) suggests that this variant is likely to be disruptive. ClinVar contains an entry for this variant (Variation ID: 56282). This missense change has been observed in individual(s) with clinical features of CLN3-related disease (PMID: 21990111, 24154662; Invitae). In at least one individual the data is consistent with being in trans (on the opposite chromosome) from a pathogenic variant. This variant is present in population databases (rs386833731, gnomAD 0.003%). This sequence change replaces glycine, which is neutral and non-polar, with arginine, which is basic and polar, at codon 189 of the CLN3 protein (p.Gly189Arg).

Baylor Genetics
Classification: Likely pathogenic for Neuronal ceroid lipofuscinosis 3. Last evaluated: 2022-10-05. Review status: criteria provided, single submitter. Criteria: ACMG Guidelines, 2015. Collection method: clinical testing. Allele origin: unknown.

Juha Muilu Group; Institute for Molecular Medicine Finland (FIMM)
Classification: Likely pathogenic for Juvenile neuronal ceroid lipofuscinosis. Review status: no assertion criteria provided. Collection method: not provided. Allele origin: unknown. Not counted in ClinVar's aggregate classification.
Comment: FinDis database variant: This variant was not found or characterized by our laboratory, data were collected from public sources: see reference
ClinVar note: Converted during submission from probable-pathogenic to Likely pathogenic.

Literature cited by the submitters: PubMed 21990111 (cited by Labcorp Genetics (formerly Invitae), Labcorp); PubMed 24154662 (cited by Labcorp Genetics (formerly Invitae), Labcorp).